The following is an entry in ClinVar:

ClinVar aggregate classification (germline): Likely benign. Review status: criteria provided, multiple submitters, no conflicts (2 of 4 stars). 2 submissions from 2 submitters: Likely benign (2). Last evaluated 2025-03-06.

Conditions:
Joubert syndrome. Also called: JOUBERT-BOLTSHAUSER SYNDROME; Familial aplasia of the vermis. Identifiers: Orphanet 475, MedGen C5979921, MONDO:0018772.
Meckel-Gruber syndrome. Also called: DYSENCEPHALIA SPLANCHNOCYSTICA; GRUBER SYNDROME; Dysencephalia splachnocystica. Identifiers: Orphanet 564, MedGen C0265215, MONDO:0018921.
CC2D2A-related disorder. Also called: CC2D2A-related disorders; CC2D2A-related condition. Identifiers: MedGen CN239313.

Allele frequency attached by ClinVar (database versions not stated): gnomAD 0.00001; TOPMed 0.00003; ExAC 0.00005; ESP Exome Variant Server 0.00010.
gnomAD v4.1: 8 of 1,542,146 alleles (0.00052%); highest among the groups gnomAD compares: Non-Finnish European, 0.0007%; no homozygotes.

Submissions (2):

Labcorp Genetics (formerly Invitae), Labcorp
Classification: Likely benign for Joubert syndrome; Meckel-Gruber syndrome. Last evaluated: 2025-03-06. Review status: criteria provided, single submitter. Criteria: Invitae Variant Classification Sherloc (09022015). Collection method: clinical testing. Allele origin: germline.

PreventionGenetics, part of Exact Sciences
Classification: Likely benign for CC2D2A-related condition. Last evaluated: 2025-03-02. Review status: criteria provided, single submitter. Criteria: ACMG Guidelines, 2015. Collection method: clinical testing. Allele origin: germline.
Comment: This variant is classified as likely benign based on ACMG/AMP sequence variant interpretation guidelines (Richards et al. 2015 PMID: 25741868, with internal and published modifications).

NM_001378615.1(CC2D2A):c.4315-8T>C

Genes: CC2D2A (coiled-coil and C2 domain containing 2A; plus strand), FBXL5 (F-box and leucine rich repeat protein 5; minus strand). Cytogenetic location: 4p15.32.
Variant type: single nucleotide variant.
Coding change: c.4315-8T>C on transcript NM_001378615.1 (MANE Select); 8 bases into the intron before coding-DNA position 4315, T replaced by C.
Molecular consequence: intron variant.
Genome position (GRCh38, 1-based): chr4:15,596,077, T>C. VCF-style: chr4-15596077-T-C. GRCh37 (hg19) VCF-style: chr4-15597700-T-C.
Other names: c.4315-8T>C (NM_001080522.2); c.4168-8T>C (NM_001378617.1).
Identifiers: ClinVar variation 1129418 (VCV001129418.10), dbSNP rs370982819, ClinGen allele CA2864374.